The following is an entry in ClinVar:

NM_000395.3(CSF2RB):c.2041C>T (p.Pro681Ser)

Gene: CSF2RB (colony stimulating factor 2 receptor subunit beta; plus strand). Cytogenetic location: 22q12.3.
Variant type: single nucleotide variant.
Coding change: c.2041C>T on transcript NM_000395.3 (MANE Select); coding-DNA position 2041, C replaced by T.
Protein change: p.Pro681Ser; replaces proline 681 with serine.
Molecular consequence: missense variant.
Genome position (GRCh38, 1-based): chr22:36,937,849, C>T. VCF-style: chr22-36937849-C-T. GRCh37 (hg19) VCF-style: chr22-37333891-C-T.
Other names: c.2059C>T, p.Pro687Ser (NM_001410827.1); short protein forms P681S, P687S.
Identifiers: ClinVar variation 2806974 (VCV002806974.3), dbSNP rs2518009754, ClinGen allele CA411410705.

ClinVar aggregate classification (germline): Uncertain significance (1 of 4 stars; one submission).

Allele frequency attached by ClinVar (database versions not stated): gnomAD exomes below 0.00001.
gnomAD v4.1: 3 of 1,613,414 alleles (0.00019%); highest among the groups gnomAD compares: South Asian, 0.0022%; no homozygotes.

Submission:

Labcorp Genetics (formerly Invitae), Labcorp
Classification: Uncertain significance. Last evaluated: 2023-01-25. Review status: criteria provided, single submitter. Criteria: Invitae Variant Classification Sherloc (09022015). Collection method: clinical testing. Allele origin: germline.
Comment: This variant has not been reported in the literature in individuals affected with CSF2RB-related conditions. This variant is not present in population databases (gnomAD no frequency). This sequence change replaces proline, which is neutral and non-polar, with serine, which is neutral and polar, at codon 681 of the CSF2RB protein (p.Pro681Ser). Advanced modeling of protein sequence and biophysical properties (such as structural, functional, and spatial information, amino acid conservation, physicochemical variation, residue mobility, and thermodynamic stability) performed at Invitae indicates that this missense variant is not expected to disrupt CSF2RB protein function. In summary, the available evidence is currently insufficient to determine the role of this variant in disease. Therefore, it has been classified as a Variant of Uncertain Significance.